The following is an entry in ClinVar:

NM_005159.4(ACTC1):c.*1039G>A

Genes: ACTC1 (actin alpha cardiac muscle 1; minus strand), GJD2-DT (GJD2 divergent transcript; plus strand). Cytogenetic location: 15q14.
Variant type: single nucleotide variant.
Coding change: c.*1039G>A on transcript NM_005159.4; 1039 bases downstream of the stop codon, G replaced by A.
Genome position (GRCh38, 1-based): chr15:34,789,373, C>T on the plus strand (G>A on the coding strand, the complement: ACTC1 is on the minus strand). VCF-style: chr15-34789373-C-T. GRCh37 (hg19) VCF-style: chr15-35081574-C-T.
Identifiers: ClinVar variation 315668 (VCV000315668.8), dbSNP rs589759, ClinGen allele CA10645747.

ClinVar aggregate classification (germline): Benign. Review status: criteria provided, multiple submitters, no conflicts (2 of 4 stars). 3 submissions from 2 submitters: Benign (3). Last evaluated 2018-01-13.

Conditions:
Hypertrophic cardiomyopathy 11. Also called: ACTC1-Related Familial Hypertrophic Cardiomyopathy. Identifiers: MedGen C2677506, MONDO:0012799, OMIM 612098.
Dilated cardiomyopathy 1R (CMD1R). Identifiers: Orphanet 154, Orphanet 54260, MedGen C3150681, MONDO:0013261, OMIM 613424.

Allele frequency attached by ClinVar (database versions not stated): 1000 Genomes Project 30x 0.65537; gnomAD 0.70946; TOPMed 0.69500; 1000 Genomes Project 0.65595; gnomAD exomes 0.66762.

Submissions (3):

Illumina Laboratory Services, Illumina
Classification: Benign for Hypertrophic cardiomyopathy 11. Last evaluated: 2018-01-13. Review status: criteria provided, single submitter. Criteria: ICSL Variant Classification Criteria 13 December 2019. Collection method: clinical testing. Allele origin: germline.
Comment: This variant was observed in the ICSL laboratory as part of a predisposition screen in an ostensibly healthy population. It had not been previously curated by ICSL or reported in the Human Gene Mutation Database (HGMD: prior to June 1st, 2018), and was therefore a candidate for classification through an automated scoring system. Utilizing variant allele frequency, disease prevalence and penetrance estimates, and inheritance mode, an automated score was calculated to assess if this variant is too frequent to cause the disease. Based on the score and internal cut-off values, a variant classified as benign is not then subjected to further curation. The score for this variant resulted in a classification of benign for this disease.

Illumina Laboratory Services, Illumina
Classification: Benign for Dilated cardiomyopathy 1R. Last evaluated: 2018-01-13. Review status: criteria provided, single submitter. Criteria: ICSL Variant Classification Criteria 13 December 2019. Collection method: clinical testing. Allele origin: germline.
Comment: the same text as in the submission from Illumina Laboratory Services, Illumina above.

Breakthrough Genomics
Classification: Benign. Review status: criteria provided, single submitter. Criteria: ACMG Guidelines, 2015. Collection method: not provided. Allele origin: germline. Inheritance: Autosomal dominant inheritance. Affected: yes.